The following is an entry in ClinVar:

NM_002691.4(POLD1):c.1012T>G (p.Cys338Gly)

Gene: POLD1 (DNA polymerase delta 1, catalytic subunit; plus strand). Cytogenetic location: 19q13.33.
Variant type: single nucleotide variant.
Coding change: c.1012T>G on transcript NM_002691.4 (MANE Select); coding-DNA position 1012, T replaced by G.
Protein change: p.Cys338Gly; replaces cysteine 338 with glycine.
Molecular consequence: missense variant. On other transcripts: non-coding transcript variant (1).
Genome position (GRCh38, 1-based): chr19:50,403,094, T>G. VCF-style: chr19-50403094-T-G. GRCh37 (hg19) VCF-style: chr19-50906351-T-G.
Other names: c.1012T>G, p.Cys338Gly (NM_001256849.1, NM_001308632.1); short protein forms C338G.
Identifiers: ClinVar variation 3645442 (VCV003645442.2).

ClinVar aggregate classification (germline): Uncertain significance (1 of 4 stars; one submission).

Conditions:
POLD1-related polyposis and colorectal cancer syndrome (CRCS10). Also called: Colorectal cancer 10; COLORECTAL CANCER, SUSCEPTIBILITY TO, ON CHROMOSOME 19q; Colorectal cancer, susceptibility to, 10. Identifiers: Orphanet 220460, MedGen C2675481, MONDO:0012953, OMIM 612591.

Submission:

Labcorp Genetics (formerly Invitae), Labcorp
Classification: Uncertain significance for POLD1-related polyposis and colorectal cancer syndrome. Last evaluated: 2024-03-12. Review status: criteria provided, single submitter. Criteria: Invitae Variant Classification Sherloc (09022015). Collection method: clinical testing. Allele origin: germline.
Comment: This sequence change replaces cysteine, which is neutral and slightly polar, with glycine, which is neutral and non-polar, at codon 338 of the POLD1 protein (p.Cys338Gly). This variant is not present in population databases (gnomAD no frequency). This variant has not been reported in the literature in individuals affected with POLD1-related conditions. Advanced modeling of protein sequence and biophysical properties (such as structural, functional, and spatial information, amino acid conservation, physicochemical variation, residue mobility, and thermodynamic stability) performed at Invitae indicates that this missense variant is not expected to disrupt POLD1 protein function with a negative predictive value of 80%. In summary, the available evidence is currently insufficient to determine the role of this variant in disease. Therefore, it has been classified as a Variant of Uncertain Significance.